The following continues an entry in ClinVar:

NM_000552.5(VWF):c.3797C>A (p.Pro1266Gln)

Gene: VWF. ClinVar aggregate classification (germline): Uncertain significance. Uncertain significance (1).

Submissions 5 to 21 of 21:

Quest Diagnostics Nichols Institute San Juan Capistrano
Classification: Uncertain significance. Last evaluated: 2025-09-16. Review status: criteria provided, single submitter. Criteria: Quest Diagnostics criteria. Collection method: clinical testing. Allele origin: unknown. Not counted in ClinVar's aggregate classification.
Comment: The VWF c.3797C>A (p.Pro1266Gln) variant has been reported in the published literature in individuals affected with types 1, 2, and 3 von Willebrand disease (vWD) having normal multimer patterns (PMIDs: 33113216 (2020), 34130347 (2021), 37168293 (2023)). Other individuals affected with vWD also carried other variants due to a gene conversion event with the VWF pseudogene (PMIDs: 18805962 (2009), 21711445 (2011), 23179108 (2013), 28497886 (2017)). This variant has also been reported in individuals with bleeding disorders (PMIDs: 32224444 (2020), 33711653 (2021), 34807970 (2022)). One functional study has shown that this variant retains VWF activity comparable to the wild-type (PMID: 30488424 (2019)), however, defects were observed in another study (PMID: 23179108 (2013)). The frequency of this variant in the general population (Genome Aggregation Database) is uninformative in the assessment of its pathogenicity. Based on the available information, we are unable to determine the clinical significance of this variant.

GeneDx
Classification: Uncertain significance. Last evaluated: 2025-08-06. Review status: criteria provided, single submitter. Criteria: GeneDx Variant Classification Process June 2021. Collection method: clinical testing. Allele origin: germline. Affected: yes. Not counted in ClinVar's aggregate classification.
Comment: In silico analysis supports that this missense variant does not alter protein structure/function; This variant is associated with the following publications: (PMID: 28497886, 28640903, 18315546, 23179108, 30349898, 28971901, 33711653, 33113216, 32224444, 26986123, 26827609, 23809112, 30488424, 34426522, 31589614, 34130347, 35505650, 34758185, 35452508, 34807970, 35741733, 34697415, 37647632, 37872709, 37168293, 36444397, 18805962, ShamrizR2023[Article], 21711445)

Center for Genomic Medicine, Rigshospitalet, Copenhagen University Hospital
Classification: Likely pathogenic. Last evaluated: 2025-03-04. Review status: criteria provided, single submitter. Criteria: ACMG Guidelines, 2015. Collection method: clinical testing. Allele origin: germline. Not counted in ClinVar's aggregate classification.

First Genomix Gene Laboratory, Genetic Diagnostics Department
Classification: Likely pathogenic for von Willebrand disease type 3; von Willebrand disease type 2. Last evaluated: 2025-01-11. Review status: criteria provided, single submitter. Criteria: ACMG Guidelines, 2015. Collection method: clinical testing. Allele origin: germline. Inheritance: Autosomal recessive inheritance. Affected: no. Observed: 1 variant allele. Not counted in ClinVar's aggregate classification.

Dasa
Classification: Uncertain significance. Last evaluated: 2025-01-02. Review status: criteria provided, single submitter. Criteria: DASA Assertion Criteria. Collection method: clinical testing. Allele origin: germline. Not counted in ClinVar's aggregate classification.
Comment: NM_000552.5(VWF):c.3797C>A (p.Pro1266Gln) is a missense variant that results in the substitution of proline with glutamine. The affected residue or protein region has prior evidence supporting clinical relevance. This variant is rare in population databases. The currently available literature and clinical evidence are not sufficient to establish a definitive association between this variant and the reported condition. Therefore, this variant is classified as a variant of uncertain significance.

Blueprint Genetics
Classification: Likely pathogenic for VWF-related disorders. Last evaluated: 2024-11-27. Review status: criteria provided, single submitter. Criteria: ACMG Guidelines, 2015. Collection method: clinical testing. Allele origin: germline. Affected: yes. Observed: 5 variant alleles. Not counted in ClinVar's aggregate classification.

Genomic Medicine Center of Excellence, King Faisal Specialist Hospital and Research Centre
Classification: Uncertain significance for von Willebrand disease type 1. Last evaluated: 2024-04-04. Review status: criteria provided, single submitter. Criteria: ACMG Guidelines, 2015. Collection method: clinical testing. Allele origin: germline. Not counted in ClinVar's aggregate classification.

CeGaT Center for Human Genetics Tuebingen
Classification: Likely pathogenic. Last evaluated: 2023-02-01. Review status: criteria provided, single submitter. Criteria: CeGaT Center For Human Genetics Tuebingen Variant Classification Criteria Version 2. Collection method: clinical testing. Allele origin: germline. Affected: yes. Observed: 4 variant alleles. Not counted in ClinVar's aggregate classification.
Comment: VWF: PM5, PP1:Moderate, PS4:Moderate, PS3:Supporting, BP4

Mendelics
Classification: Pathogenic for von Willebrand disease type 1. Last evaluated: 2022-05-04. Review status: criteria provided, single submitter. Criteria: Mendelics Assertion Criteria 2019. Collection method: clinical testing. Allele origin: germline. Not counted in ClinVar's aggregate classification.

Fulgent Genetics
Classification: Pathogenic for von Willebrand disease type 1; von Willebrand disease type 3; von Willebrand disease type 2. Last evaluated: 2022-01-04. Review status: criteria provided, single submitter. Criteria: ACMG Guidelines, 2015. Collection method: clinical testing. Allele origin: unknown. Not counted in ClinVar's aggregate classification.

Neuberg Centre For Genomic Medicine, NCGM
Classification: Likely pathogenic for von Willebrand disease type 2. Review status: criteria provided, single submitter. Criteria: ACMG Guidelines, 2015. Collection method: clinical testing. Allele origin: germline. Affected: yes. Not counted in ClinVar's aggregate classification.
Comment: The missense variant p.P1266Q in VWF (NM_000552.4) has been previously established to cause the VWD Malmo/New York variant (Batlle J et al, 2016). The p.P1266Q variant is observed in 6/978 (0.6135%) alleles from individuals of South Asian background in 1000 Genomes, including in 4 persons in homozygous state. There is a moderate physicochemical difference between proline and glutamine. The p.P1266Q missense variant is predicted to be damaging by both SIFT and PolyPhen2. The proline residue at codon 1266 of VWF is conserved in all mammalian species. The nucleotide c.3797 in VWF is predicted conserved by GERP++ and PhyloP across 100 vertebrates. For these reasons, this variant has been classified as Likely Pathogenic.

Clinical Molecular Genetics Laboratory, Johns Hopkins All Children's Hospital
Classification: Pathogenic for von Willebrand disorder. Last evaluated: 2014-03-26. Review status: no assertion criteria provided. Collection method: clinical testing. Allele origin: germline. Affected: yes. Not counted in ClinVar's aggregate classification.

Academic Unit of Haematology, University of Sheffield
No classification provided. Review status: no classification provided. Collection method: not provided. Allele origin: not provided. Not counted in ClinVar's aggregate classification.

Department of Pathology and Laboratory Medicine, Sinai Health System
Classification: Uncertain significance. Review status: no assertion criteria provided. Collection method: clinical testing. Allele origin: unknown. Affected: yes. Study: The Canadian Open Genetics Repository (COGR). Not counted in ClinVar's aggregate classification.
Comment: The VWF p.P1266Q variant was identified in the heterozygous or compound heterozygous state in multiple individuals with von Willebrand disease type 2B, including 8 individuals from 4 families; these individuals generally displayed normal multimeric protein patterns, plasma VWF levels, platelet VWF levels, and low bleeding scores (Casonato_2017_PMID:28640903; BorraÃƒÃ„s_2017_PMID:28971901; Federici_2009_PMID:18805962; Ahmad_2013_PMID:23179108; Veyradier_2016_PMID:26986123; Casonato_2016_PMID:27532107). The p.P1266Q variant usually results due to gene conversion with the VWF pseudogene and is typically found in combination with other VWF variants. The variant was identified in dbSNP (ID: rs61749370) and ClinVar (classified as pathogenic by John Hopkins Children's Hospital and as likely pathogenic by CeGat Praxis). The variant was identified in control databases in 76 of 281180 chromosomes (2 homozygous) at a frequency of 0.0002703 (Genome Aggregation Database March 6, 2019, v2.1.1). The variant was observed in the following populations: South Asian in 41 of 30468 chromosomes (freq: 0.001346), Other in 3 of 7204 chromosomes (freq: 0.000416), European (non-Finnish) in 24 of 127752 chromosomes (freq: 0.000188), Latino in 5 of 35424 chromosomes (freq: 0.000141), African in 2 of 24944 chromosomes (freq: 0.00008) and East Asian in 1 of 19948 chromosomes (freq: 0.00005), but was not observed in the Ashkenazi Jewish or European (Finnish) populations. The variant occurs outside of the splicing consensus sequence and in silico or computational prediction software programs (SpliceSiteFinder, MaxEntScan, NNSPLICE, GeneSplicer) do not predict a difference in splicing. The p.P1266 residue is conserved in mammals and computational analyses (PolyPhen-2, SIFT, AlignGVGD, BLOSUM, MutationTaster) provide inconsistent predictions regarding the impact to the protein; this information is not very predictive of pathogenicity. Functional studies demonstrated that the p.P1266Q variant alone did not affect VWF protein expression or activity compared to wildtype, however the combination of p.V1229G-p.N1231T-p.P1266Q variants caused decreased expression and binding of VWF to GPIba (Ahmad_2018_PMID: 30488424). In summary, based on the above information the clinical significance of this variant cannot be determined with certainty at this time. This variant is classified as a variant of uncertain significance.

GeneReviews
No classification provided. Condition: von Willebrand disorder. Review status: no classification provided. Collection method: literature only. Allele origin: germline. Not counted in ClinVar's aggregate classification.

ISTH-SSC Genomics in Thrombosis and Hemostasis, KU Leuven, Center for Molecular and Vascular Biology
Classification: Likely pathogenic for von Willebrand disorder. Review status: no assertion criteria provided. Collection method: research. Allele origin: unknown. Affected: yes. Not counted in ClinVar's aggregate classification.
Comment: Submitted to GoldVariant by Dr Karyn Mégy from NIHR Bioresource - Cambridge University, UK

Department of Clinical Pathology, School of Medicine, Fujita Health University
Classification: Likely benign for EBV-positive nodal T- and NK-cell lymphoma. Review status: flagged submission. Collection method: research. Allele origin: unknown. Affected: yes. Not counted in ClinVar's aggregate classification.
ClinVar note: Reason: Older and outlier claim with insufficient supporting evidence

Literature cited by the submitters: PubMed 26986123 (cited by Victorian Clinical Genetics Services, Murdoch Childrens Research Institute); PubMed 30488424 (cited by 3 submitters); PubMed 19372260 (cited by Victorian Clinical Genetics Services, Murdoch Childrens Research Institute); PubMed 37168293 (cited by 3 submitters); PubMed 28640903 (cited by 4 submitters); PubMed 18805962 (cited by 3 submitters); PubMed 28971901 (cited by Victorian Clinical Genetics Services, Murdoch Childrens Research Institute); PubMed 23179108 (cited by Women's Health and Genetics/Laboratory Corporation of America, LabCorp and Quest Diagnostics Nichols Institute San Juan Capistrano); PubMed 20371742 (cited by Women's Health and Genetics/Laboratory Corporation of America, LabCorp); PubMed 21711445 (cited by Women's Health and Genetics/Laboratory Corporation of America, LabCorp and Quest Diagnostics Nichols Institute San Juan Capistrano); PubMed 34807970 (cited by Women's Health and Genetics/Laboratory Corporation of America, LabCorp and Quest Diagnostics Nichols Institute San Juan Capistrano); PubMed 37872709 (cited by Women's Health and Genetics/Laboratory Corporation of America, LabCorp and Quest Diagnostics Nichols Institute San Juan Capistrano); PubMed 40242192 (cited by Women's Health and Genetics/Laboratory Corporation of America, LabCorp); PubMed 40765908 (cited by Women's Health and Genetics/Laboratory Corporation of America, LabCorp); PubMed 34426522 (cited by Quest Diagnostics Nichols Institute San Juan Capistrano); PubMed 33711653 (cited by Quest Diagnostics Nichols Institute San Juan Capistrano); PubMed 32224444 (cited by Quest Diagnostics Nichols Institute San Juan Capistrano); PubMed 33113216 (cited by Quest Diagnostics Nichols Institute San Juan Capistrano); PubMed 34130347 (cited by Quest Diagnostics Nichols Institute San Juan Capistrano); PubMed 34697415 (cited by Quest Diagnostics Nichols Institute San Juan Capistrano); PubMed 28497886 (cited by Quest Diagnostics Nichols Institute San Juan Capistrano); PubMed 37647632 (cited by Quest Diagnostics Nichols Institute San Juan Capistrano); PubMed 39096151 (cited by Quest Diagnostics Nichols Institute San Juan Capistrano); PubMed 38532595 (cited by Quest Diagnostics Nichols Institute San Juan Capistrano); PubMed 18315546 (cited by Center for Genomic Medicine, Rigshospitalet, Copenhagen University Hospital); NCBI Bookshelf NBK7014 (cited by GeneReviews).